The following is an entry in ClinVar:

ClinVar aggregate classification (germline): Pathogenic (1 of 4 stars; one submission).

Conditions:
Duchenne muscular dystrophy (DMD). Also called: Duchenne Muscular Dystrophy (DMD); MUSCULAR DYSTROPHY, PSEUDOHYPERTROPHIC PROGRESSIVE, DUCHENNE TYPE. Identifiers: Orphanet 98896, MedGen C0013264, MONDO:0010679, OMIM 310200.

Submission:

Labcorp Genetics (formerly Invitae), Labcorp
Classification: Pathogenic for Duchenne muscular dystrophy. Last evaluated: 2024-11-19. Review status: criteria provided, single submitter. Criteria: Invitae Variant Classification Sherloc (09022015). Collection method: clinical testing. Allele origin: germline.
Comment: This sequence change creates a premature translational stop signal (p.Trp2585*) in the DMD gene. It is expected to result in an absent or disrupted protein product. Loss-of-function variants in DMD are known to be pathogenic (PMID: 16770791, 25007885). This variant is not present in population databases (gnomAD no frequency). This premature translational stop signal has been observed in individual(s) with Duchenne muscular dystrophy (PMID: 16834926). For these reasons, this variant has been classified as Pathogenic.

Literature cited by the submitters: PubMed 16770791; PubMed 25007885; PubMed 16834926.

NM_004006.3(DMD):c.7754G>A (p.Trp2585Ter)

Gene: DMD (dystrophin; minus strand). Cytogenetic location: Xp21.1.
Variant type: single nucleotide variant.
Coding change: c.7754G>A on transcript NM_004006.3 (MANE Select); coding-DNA position 7754, G replaced by A.
Protein change: p.Trp2585Ter; replaces tryptophan 2585 with a stop codon.
Molecular consequence: nonsense.
Genome position (GRCh38, 1-based): chrX:31,679,493, C>T on the plus strand (G>A on the coding strand, the complement: DMD is on the minus strand). VCF-style: chrX-31679493-C-T. GRCh37 (hg19) VCF-style: chrX-31697610-C-T.
Other names: c.7730G>A, p.Trp2577Ter (NM_000109.4); c.7742G>A, p.Trp2581Ter (NM_004009.3); c.7385G>A, p.Trp2462Ter (NM_004010.3); c.3731G>A, p.Trp1244Ter (NM_004011.4); c.3722G>A, p.Trp1241Ter (NM_004012.4); c.374G>A, p.Trp125Ter (NM_004013.3, NM_004020.4, NM_004021.3 and 2 more transcripts); short protein forms W1241*, W2585*, W1244*, W2581*, W125*, W2462*, W2577*.
Identifiers: ClinVar variation 3725266 (VCV003725266.2).
Genomic context (GRCh38, chrX:31,679,493, plus strand): 5'-GACTCAAGCTTGGCTCTGGCCTGTCCTAAGACCTGCTCAGCTTCTTCCTTAGCTTCCAGC[C>T]ATTGTGTTGAATCCTTTAACATTTCATTCAACTGTTGCCTCCGGTTCTGAAGGTGTTCTT-3'